The following is an entry in ClinVar:

ClinVar aggregate classification (germline): Uncertain significance (1 of 4 stars; one submission).

Conditions:
Glycine encephalopathy. Also called: Non-ketotic hyperglycinemia; Nonketotic hyperglycinemia. Identifiers: Orphanet 407, MedGen C0751748, MONDO:0011612, HP:0008288.

gnomAD v4.1: 2 of 1,611,658 alleles (0.00012%); highest among the groups gnomAD compares: Non-Finnish European, 0.00017%; no homozygotes.

Submission:

Labcorp Genetics (formerly Invitae), Labcorp
Classification: Uncertain significance for Glycine encephalopathy. Last evaluated: 2022-10-17. Review status: criteria provided, single submitter. Criteria: Invitae Variant Classification Sherloc (09022015). Collection method: clinical testing. Allele origin: germline.
Comment: This sequence change replaces alanine, which is neutral and non-polar, with serine, which is neutral and polar, at codon 777 of the GLDC protein (p.Ala777Ser). This variant is not present in population databases (gnomAD no frequency). This variant has not been reported in the literature in individuals affected with GLDC-related conditions. Advanced modeling of protein sequence and biophysical properties (such as structural, functional, and spatial information, amino acid conservation, physicochemical variation, residue mobility, and thermodynamic stability) performed at Invitae indicates that this missense variant is not expected to disrupt GLDC protein function. In summary, the available evidence is currently insufficient to determine the role of this variant in disease. Therefore, it has been classified as a Variant of Uncertain Significance.

NM_000170.3(GLDC):c.2329G>T (p.Ala777Ser)

Gene: GLDC (glycine decarboxylase; minus strand). Cytogenetic location: 9p24.1.
Variant type: single nucleotide variant.
Coding change: c.2329G>T on transcript NM_000170.3 (MANE Select); coding-DNA position 2329, G replaced by T.
Protein change: p.Ala777Ser; replaces alanine 777 with serine.
Molecular consequence: missense variant.
Genome position (GRCh38, 1-based): chr9:6,553,496, C>A on the plus strand (G>T on the coding strand, the complement: GLDC is on the minus strand). VCF-style: chr9-6553496-C-A. GRCh37 (hg19) VCF-style: chr9-6553496-C-A.
Other names: short protein forms A777S.
Identifiers: ClinVar variation 2158321 (VCV002158321.1), dbSNP rs778484895, ClinGen allele CA372879031.